The following is an entry in ClinVar:

ClinVar aggregate classification (germline): Uncertain significance (1 of 4 stars; one submission).

Conditions:
Neuronal ceroid lipofuscinosis. Also called: Neuronal Ceroid Lipofuscinoses. Identifiers: Orphanet 216, Orphanet 79263, MedGen C0027877, MONDO:0016295. Disease mechanism: loss of function.

Submission:

Labcorp Genetics (formerly Invitae), Labcorp
Classification: Uncertain significance for Neuronal ceroid lipofuscinosis. Last evaluated: 2022-02-10. Review status: criteria provided, single submitter. Criteria: Invitae Variant Classification Sherloc (09022015). Collection method: clinical testing. Allele origin: germline.
Comment: This sequence change replaces leucine, which is neutral and non-polar, with arginine, which is basic and polar, at codon 121 of the CLN3 protein (p.Leu121Arg). This variant is not present in population databases (gnomAD no frequency). This variant has not been reported in the literature in individuals affected with CLN3-related conditions. ClinVar contains an entry for this variant (Variation ID: 846348). Algorithms developed to predict the effect of missense changes on protein structure and function are either unavailable or do not agree on the potential impact of this missense change (SIFT: "Tolerated"; PolyPhen-2: "Probably Damaging"; Align-GVGD: "Class C0"). In summary, the available evidence is currently insufficient to determine the role of this variant in disease. Therefore, it has been classified as a Variant of Uncertain Significance.

NM_001042432.2(CLN3):c.362T>G (p.Leu121Arg)

Gene: CLN3 (CLN3 lysosomal/endosomal transmembrane protein, battenin; minus strand). Cytogenetic location: 16p12.1.
Variant type: single nucleotide variant.
Coding change: c.362T>G on transcript NM_001042432.2 (MANE Select); coding-DNA position 362, T replaced by G.
Protein change: p.Leu121Arg; replaces leucine 121 with arginine.
Molecular consequence: missense variant. On other transcripts: intron variant (1).
Genome position (GRCh38, 1-based): chr16:28,487,674, A>C on the plus strand (T>G on the coding strand, the complement: CLN3 is on the minus strand). VCF-style: chr16-28487674-A-C. GRCh37 (hg19) VCF-style: chr16-28498995-A-C.
Other names: c.362T>G, p.Leu121Arg (NM_000086.2); c.290T>G, p.Leu97Arg (NM_001286104.2); c.128T>G, p.Leu43Arg (NM_001286109.2); c.200T>G, p.Leu67Arg (NM_001286110.2); c.75-133T>G (NM_001286105.2); short protein forms L43R, L97R, L121R, L67R.
Identifiers: ClinVar variation 846348 (VCV000846348.7), dbSNP rs2046244488, ClinGen allele CA395346031.
Genomic context (GRCh38, chr16:28,487,674, plus strand): 5'-CCTTTCTCAGCTCCTGCCCACCCTGCCTCCCACTACCCTCACCCAGACCTGTAGGGCAGC[A>C]GGTGAAGGCCAAGAGGAGCCAACAATTTGATGACGAGTGTGGGGAGGATGTCCGCCAGGA-3'
Protein context (NP_001035897.1, residues 111-131): IKLLAPLGLH[Leu121Arg]LPYSPRVLVS